The following is an entry in ClinVar:

NM_004385.5(VCAN):c.9878C>T (p.Thr3293Ile)

Gene: VCAN (versican; plus strand). Cytogenetic location: 5q14.3.
Variant type: single nucleotide variant.
Coding change: c.9878C>T on transcript NM_004385.5 (MANE Select); coding-DNA position 9878, C replaced by T.
Protein change: p.Thr3293Ile; replaces threonine 3293 with isoleucine.
Molecular consequence: missense variant.
Genome position (GRCh38, 1-based): chr5:83,572,558, C>T. VCF-style: chr5-83572558-C-T. GRCh37 (hg19) VCF-style: chr5-82868377-C-T.
Other names: c.1655C>T, p.Thr552Ile (NM_001126336.3); c.6917C>T, p.Thr2306Ile (NM_001164097.2); c.4616C>T, p.Thr1539Ile (NM_001164098.2); short protein forms T1539I, T2306I, T3293I, T552I.
Identifiers: ClinVar variation 1016877 (VCV001016877.8), dbSNP rs1367752548, ClinGen allele CA360298867.

ClinVar aggregate classification (germline): Uncertain significance (1 of 4 stars; one submission).

Allele frequency attached by ClinVar (database versions not stated): gnomAD exomes below 0.00001; TOPMed 0.00001.
gnomAD v4.1: 1 of 1,613,766 alleles (0.000062%); highest among the groups gnomAD compares: Admixed American, 0.0017%; no homozygotes.

Submission:

Labcorp Genetics (formerly Invitae), Labcorp
Classification: Uncertain significance. Last evaluated: 2022-02-05. Review status: criteria provided, single submitter. Criteria: Invitae Variant Classification Sherloc (09022015). Collection method: clinical testing. Allele origin: germline.
Comment: In summary, the available evidence is currently insufficient to determine the role of this variant in disease. Therefore, it has been classified as a Variant of Uncertain Significance. Algorithms developed to predict the effect of missense changes on protein structure and function are either unavailable or do not agree on the potential impact of this missense change (SIFT: "Deleterious"; PolyPhen-2: "Probably Damaging"; Align-GVGD: "Class C0"). ClinVar contains an entry for this variant (Variation ID: 1016877). This variant has not been reported in the literature in individuals affected with VCAN-related conditions. This variant is present in population databases (no rsID available, gnomAD 0.003%). This sequence change replaces threonine, which is neutral and polar, with isoleucine, which is neutral and non-polar, at codon 3293 of the VCAN protein (p.Thr3293Ile).